The following is an entry in ClinVar:

ClinVar aggregate classification (germline): Uncertain significance. Review status: criteria provided, multiple submitters, no conflicts (2 of 4 stars). 2 submissions from 2 submitters: Uncertain significance (2). Last evaluated 2026-04-29.

Conditions:
Hereditary cancer-predisposing syndrome. Also called: Neoplastic Syndromes, Hereditary; Tumor predisposition; Hereditary Cancer Syndrome; Hereditary neoplastic syndrome. Identifiers: Orphanet 140162, MedGen C0027672, MeSH D009386, MONDO:0015356.
Birt-Hogg-Dube syndrome. Also called: Birt Hogg Dubé syndrome. Identifiers: Orphanet 122, MedGen C0346010, MONDO:0800444.

Submissions (2):

Ambry Genetics
Classification: Uncertain significance for Hereditary cancer-predisposing syndrome. Last evaluated: 2026-04-29. Review status: criteria provided, single submitter. Criteria: Ambry Variant Classification Scheme 2023. Collection method: clinical testing. Allele origin: germline.
Comment: The p.E576G variant (also known as c.1727A>G), located in coding exon 11 of the FLCN gene, results from an A to G substitution at nucleotide position 1727. The glutamic acid at codon 576 is replaced by glycine, an amino acid with similar properties. This amino acid position is highly conserved in available vertebrate species. In addition, the in silico prediction for this alteration is inconclusive. Based on the available evidence, the clinical significance of this variant remains unclear.

Labcorp Genetics (formerly Invitae), Labcorp
Classification: Uncertain significance for Birt-Hogg-Dube syndrome. Last evaluated: 2023-04-07. Review status: criteria provided, single submitter. Criteria: Invitae Variant Classification Sherloc (09022015). Collection method: clinical testing. Allele origin: germline.
Comment: In summary, the available evidence is currently insufficient to determine the role of this variant in disease. Therefore, it has been classified as a Variant of Uncertain Significance. An algorithm developed to predict the effect of missense changes on protein structure and function (PolyPhen-2) suggests that this variant is likely to be tolerated. This variant has not been reported in the literature in individuals affected with FLCN-related conditions. This variant is not present in population databases (gnomAD no frequency). This sequence change replaces glutamic acid, which is acidic and polar, with glycine, which is neutral and non-polar, at codon 576 of the FLCN protein (p.Glu576Gly).

NM_144997.7(FLCN):c.1727A>G (p.Glu576Gly)

Gene: FLCN (folliculin; minus strand). Cytogenetic location: 17p11.2.
Variant type: single nucleotide variant.
Coding change: c.1727A>G on transcript NM_144997.7 (MANE Select); coding-DNA position 1727, A replaced by G.
Protein change: p.Glu576Gly; replaces glutamic acid 576 with glycine.
Molecular consequence: missense variant.
Genome position (GRCh38, 1-based): chr17:17,213,668, T>C on the plus strand (A>G on the coding strand, the complement: FLCN is on the minus strand). VCF-style: chr17-17213668-T-C. GRCh37 (hg19) VCF-style: chr17-17116982-T-C.
Other names: c.1781A>G, p.Glu594Gly (NM_001353229.2); c.1727A>G, p.Glu576Gly (NM_001353230.2, NM_001353231.2); short protein forms E576G, E594G.
Identifiers: ClinVar variation 2496514 (VCV002496514.6), dbSNP rs2544120946, ClinGen allele CA398529773.
Genomic context (GRCh38, chr17:17,213,668, plus strand): 5'-ATCCTGTGGACAGCCATCCCTGTCTTTAGGCAGGTGTGTGTGACGGGTCAGTTCCGAGAC[T>C]CCGAGGCTGTGGGGCTGCGGACCGTGGACATGAGGTGTGACTTGTAGGTCTTGCTCAGGC-3'
Protein context (NP_659434.2, residues 566-579): MSTVRSPTAS[Glu576Gly]SRN